The following is an entry in ClinVar:

ClinVar aggregate classification (germline): Likely benign. Review status: criteria provided, single submitter (1 of 4 stars). 2 submissions from 2 submitters: Likely benign (1). 1 of the submissions does not count toward it. Last evaluated 2018-08-20.

Conditions:
ERI1-related disorder. Also called: ERI1-related condition.

Allele frequency attached by ClinVar (database versions not stated): ExAC 0.00002; gnomAD exomes 0.00061 and 0.00166; 1000 Genomes Project 30x 0.00593.

Submissions (3):

Labcorp Genetics (formerly Invitae), Labcorp
Classification: Likely benign. Last evaluated: 2018-08-20. Review status: criteria provided, single submitter. Criteria: Invitae Variant Classification Sherloc (09022015). Collection method: clinical testing. Allele origin: germline.

PreventionGenetics, part of Exact Sciences
Classification: Benign for ERI1-related condition. Last evaluated: 2019-03-21. Review status: no assertion criteria provided. Collection method: clinical testing. Allele origin: germline. Not counted in ClinVar's aggregate classification.
Comment: This variant is classified as benign based on ACMG/AMP sequence variant interpretation guidelines (Richards et al. 2015 PMID: 25741868, with internal and published modifications).

Dr. Peter K. Rogan Lab, Western University
No classification provided (evidence only). Condition: Acute myeloid leukemia. Review status: no classification provided. Collection method: in vitro. Allele origin: not applicable. Functional consequence: retained intron. Not counted in ClinVar's aggregate classification.

NM_153332.4(ERI1):c.109-9T>G

Gene: ERI1 (exoribonuclease 1). Cytogenetic location: 8p23.1.
Variant type: single nucleotide variant.
Coding change: c.109-9T>G on transcript NM_153332.4 (MANE Select); 9 bases into the intron before coding-DNA position 109, T replaced by G.
Molecular consequence: intron variant.
Genome position (GRCh38, 1-based): chr8:9,007,961, T>G. VCF-style: chr8-9007961-T-G. GRCh37 (hg19) VCF-style: chr8-8865471-T-G.
Other names: NC_000008.10:g.8865471T>G; c.109-9T>G (NM_001354638.2); c.-416-9T>G (NM_001354636.2); c.-126-9T>G (NM_001354635.2).
Identifiers: ClinVar variation 712692 (VCV000712692.6), dbSNP rs201166261, ClinGen allele CA4619683.